The following is an entry in ClinVar:

NM_013266.4(CTNNA3):c.639G>C (p.Glu213Asp)

Gene: CTNNA3 (catenin alpha 3; minus strand). Cytogenetic location: 10q21.3.
Variant type: single nucleotide variant.
Coding change: c.639G>C on transcript NM_013266.4 (MANE Select); coding-DNA position 639, G replaced by C.
Protein change: p.Glu213Asp; replaces glutamic acid 213 with aspartic acid.
Molecular consequence: missense variant.
Genome position (GRCh38, 1-based): chr10:67,219,811, C>G on the plus strand (G>C on the coding strand, the complement: CTNNA3 is on the minus strand). VCF-style: chr10-67219811-C-G. GRCh37 (hg19) VCF-style: chr10-68979569-C-G.
Other names: c.639G>C, p.Glu213Asp (NM_001127384.3); c.675G>C, p.Glu225Asp (NM_001291133.2); short protein forms E213D, E225D.
Identifiers: ClinVar variation 1804933 (VCV001804933.1), dbSNP rs2548040231, ClinGen allele CA377095907.

ClinVar aggregate classification (germline): Uncertain significance (1 of 4 stars; one submission).

Conditions:
Arrhythmogenic right ventricular dysplasia 13. Also called: Arrhythmogenic right ventricular dysplasia, familial, 13; ARRHYTHMOGENIC RIGHT VENTRICULAR CARDIOMYOPATHY 13. Identifiers: MedGen C3810138, MONDO:0000908, OMIM 615616.

gnomAD v4.1: 1 of 1,613,838 alleles (0.000062%); highest among the groups gnomAD compares: Non-Finnish European, 0.000085%; no homozygotes.

Submission:

Victorian Clinical Genetics Services, Murdoch Childrens Research Institute
Classification: Uncertain significance for Arrhythmogenic right ventricular dysplasia 13. Last evaluated: 2021-05-06. Review status: criteria provided, single submitter. Criteria: ACMG Guidelines, 2015. Collection method: clinical testing. Allele origin: germline. Inheritance: Autosomal dominant inheritance.
Comment: Based on the classification scheme VCGS_Germline_v1.3.4, this variant is classified as VUS-3C. Following criteria are met: 0105 - The mechanism of disease for this gene is not clearly established. While several functional studies have been performed, the mechanism is still inconclusive (PMID: 23136403). (I) 0107 - This gene is associated with autosomal dominant disease. (I) 0200 - Variant is predicted to result in a missense amino acid change from glutamic acid to aspartic acid. (I) 0251 - This variant is heterozygous. (I) 0301 - Variant is absent from gnomAD (both v2 and v3). (SP) 0309 - An alternative amino acid change at the same position has been observed in gnomAD (v2) (1 heterozygote, 0 homozygotes). (I) 0503 - Missense variant consistently predicted to be tolerated by multiple in silico tools or not conserved in placental mammals with a minor amino acid change. (SB) 0604 - Variant is not located in an established domain, motif, hotspot or informative constraint region. (I) 0705 - No comparable missense variants have previous evidence for pathogenicity. However, an inframe deletion of this same residue has been reported as a VUS (LOVD). (I) 0807 - This variant has no previous evidence of pathogenicity. (I) 0905 - No published segregation evidence has been identified for this variant. (I) 1007 - No published functional evidence has been identified for this variant. (I) 1208 - Inheritance information for this variant is not currently available in this individual. (I) Legend: (SP) - Supporting pathogenic, (I) - Information, (SB) - Supporting benign

Literature cited by the submitters: PubMed 23136403.